The following is an entry in ClinVar:

NM_000049.4(ASPA):c.557T>A (p.Val186Asp)

Genes: ASPA (aspartoacylase; plus strand), SPATA22 (spermatogenesis associated 22; minus strand). Cytogenetic location: 17p13.2.
Variant type: single nucleotide variant.
Coding change: c.557T>A on transcript NM_000049.4 (MANE Select); coding-DNA position 557, T replaced by A.
Protein change: p.Val186Asp; replaces valine 186 with aspartic acid.
Molecular consequence: missense variant. On other transcripts: intron variant (2).
Genome position (GRCh38, 1-based): chr17:3,489,265, T>A. VCF-style: chr17-3489265-T-A. GRCh37 (hg19) VCF-style: chr17-3392559-T-A.
Other names: c.557T>A, p.Val186Asp (NM_001128085.1); c.-73-19867A>T (NM_001321336.2, NM_001321337.2); short protein forms V186D.
Identifiers: ClinVar variation 2137874 (VCV002137874.3), dbSNP rs747438350, ClinGen allele CA8288970.

ClinVar aggregate classification (germline): Pathogenic (1 of 4 stars; one submission).

Conditions:
Spongy degeneration of central nervous system. Also called: ACY2 DEFICIENCY; AMINOACYLASE 2 DEFICIENCY; ASP DEFICIENCY; ASPA DEFICIENCY; ASPARTOACYLASE DEFICIENCY; CANAVAN-VAN BOGAERT-BERTRAND DISEASE. Identifiers: Orphanet 141, MedGen C0206307, MONDO:0010079, OMIM 271900.

Allele frequency attached by ClinVar (database versions not stated): ExAC 0.00001.
gnomAD v4.1: 1 of 1,612,778 alleles (0.000062%); highest among the groups gnomAD compares: Non-Finnish European, 0.000085%; no homozygotes.

Submission:

Labcorp Genetics (formerly Invitae), Labcorp
Classification: Pathogenic for Spongy degeneration of central nervous system. Last evaluated: 2022-05-23. Review status: criteria provided, single submitter. Criteria: Invitae Variant Classification Sherloc (09022015). Collection method: clinical testing. Allele origin: germline.
Comment: This sequence change replaces valine, which is neutral and non-polar, with aspartic acid, which is acidic and polar, at codon 186 of the ASPA protein (p.Val186Asp). This variant is present in population databases (rs747438350, gnomAD 0.0009%). For these reasons, this variant has been classified as Pathogenic. Advanced modeling of protein sequence and biophysical properties (such as structural, functional, and spatial information, amino acid conservation, physicochemical variation, residue mobility, and thermodynamic stability) performed at Invitae indicates that this missense variant is expected to disrupt ASPA protein function. This missense change has been observed in individual(s) with clinical features of Canavan disease (PMID: 27531131; Invitae). In at least one individual the data is consistent with being in trans (on the opposite chromosome) from a pathogenic variant.

Literature cited by the submitters: PubMed 27531131.